The following is an entry in ClinVar:

ClinVar aggregate classification (germline): Uncertain significance (1 of 4 stars; one submission).

Conditions:
Periodic fever-infantile enterocolitis-autoinflammatory syndrome. Also called: Autoinflammation with infantile enterocolitis. Identifiers: Orphanet 436166, MedGen C4015067, MONDO:0014472, OMIM 616050.
Familial cold autoinflammatory syndrome 4 (FCAS4). Identifiers: Orphanet 47045, Orphanet 576349, MedGen C4015276, MONDO:0014498, OMIM 616115.

Submission:

Labcorp Genetics (formerly Invitae), Labcorp
Classification: Uncertain significance for Periodic fever-infantile enterocolitis-autoinflammatory syndrome; Familial cold autoinflammatory syndrome 4. Last evaluated: 2022-10-22. Review status: criteria provided, single submitter. Criteria: Invitae Variant Classification Sherloc (09022015). Collection method: clinical testing. Allele origin: germline.
Comment: This sequence change replaces leucine, which is neutral and non-polar, with isoleucine, which is neutral and non-polar, at codon 244 of the NLRC4 protein (p.Leu244Ile). This variant is not present in population databases (gnomAD no frequency). This variant has not been reported in the literature in individuals affected with NLRC4-related conditions. Advanced modeling of protein sequence and biophysical properties (such as structural, functional, and spatial information, amino acid conservation, physicochemical variation, residue mobility, and thermodynamic stability) performed at Invitae indicates that this missense variant is expected to disrupt NLRC4 protein function. In summary, the available evidence is currently insufficient to determine the role of this variant in disease. Therefore, it has been classified as a Variant of Uncertain Significance.

NM_001199138.2(NLRC4):c.730C>A (p.Leu244Ile)

Gene: NLRC4 (NLR family CARD domain containing 4; minus strand). Cytogenetic location: 2p22.3.
Variant type: single nucleotide variant.
Coding change: c.730C>A on transcript NM_001199138.2 (MANE Select); coding-DNA position 730, C replaced by A.
Protein change: p.Leu244Ile; replaces leucine 244 with isoleucine.
Molecular consequence: missense variant. On other transcripts: intron variant (1).
Genome position (GRCh38, 1-based): chr2:32,251,134, G>T on the plus strand (C>A on the coding strand, the complement: NLRC4 is on the minus strand). VCF-style: chr2-32251134-G-T. GRCh37 (hg19) VCF-style: chr2-32476203-G-T.
Other names: c.730C>A, p.Leu244Ile (NM_001199139.2, NM_021209.5); c.262+1285C>A (NM_001302504.1); short protein forms L244I.
Identifiers: ClinVar variation 2940957 (VCV002940957.3), dbSNP rs2466762486, ClinGen allele CA346514524.